The following is an entry in ClinVar:

NM_003673.4(TCAP):c.452_453delinsGC (p.Ala151Gly)

Gene: TCAP (titin-cap; plus strand). Cytogenetic location: 17q12.
Variant type: Indel.
Coding change: c.452_453delinsGC on transcript NM_003673.4 (MANE Select); coding-DNA positions 452 to 453, CA replaced by GC.
Protein change: p.Ala151Gly; replaces alanine 151 with glycine.
Molecular consequence: missense variant.
Genome position (GRCh38, 1-based): chr17:39,666,057-39,666,058, CA replaced by GC. VCF-style: chr17-39666057-CA-GC. GRCh37 (hg19) VCF-style: chr17-37822310-CA-GC.
Other names: short protein forms A151G.
Identifiers: ClinVar variation 3453997 (VCV003453997.3).

ClinVar aggregate classification (germline): Conflicting classifications of pathogenicity. Review status: criteria provided, conflicting classifications (1 of 4 stars). 2 submissions from 2 submitters: Uncertain significance (1); Likely benign (1). Last evaluated 2024-10-29.

Conditions:
Cardiovascular phenotype. Identifiers: MedGen CN230736.
Hypertrophic cardiomyopathy 25 (CMH25). Also called: CARDIOMYOPATHY, FAMILIAL HYPERTROPHIC, 25. Identifiers: MedGen C4225408, MONDO:0011843, OMIM 607487.
Primary familial hypertrophic cardiomyopathy (HCM). Identifiers: Orphanet 99739, MedGen C0949658, MeSH D024741, MONDO:0024573. Inheritance: Various modes of inheritance.

Submissions (2):

Ambry Genetics
Classification: Likely benign for Cardiovascular phenotype. Last evaluated: 2024-10-29. Review status: criteria provided, single submitter. Criteria: Ambry Variant Classification Scheme 2023. Collection method: clinical testing. Allele origin: germline.

Labcorp Genetics (formerly Invitae), Labcorp
Classification: Uncertain significance for Hypertrophic cardiomyopathy 25; Primary familial hypertrophic cardiomyopathy. Last evaluated: 2024-05-25. Review status: criteria provided, single submitter. Criteria: Invitae Variant Classification Sherloc (09022015). Collection method: clinical testing. Allele origin: germline.
Comment: This sequence change replaces alanine, which is neutral and non-polar, with glycine, which is neutral and non-polar, at codon 151 of the TCAP protein (p.Ala151Gly). Information on the frequency of this variant in the gnomAD database is not available, as this variant may be reported differently in the database. This variant has not been reported in the literature in individuals affected with TCAP-related conditions. An algorithm developed to predict the effect of missense changes on protein structure and function (PolyPhen-2) suggests that this variant is likely to be tolerated. In summary, the available evidence is currently insufficient to determine the role of this variant in disease. Therefore, it has been classified as a Variant of Uncertain Significance.